The following is an entry in ClinVar:

NM_001042492.3(NF1):c.6898A>G (p.Lys2300Glu)

Gene: NF1 (neurofibromin 1; plus strand). Cytogenetic location: 17q11.2.
Variant type: single nucleotide variant.
Coding change: c.6898A>G on transcript NM_001042492.3 (MANE Select); coding-DNA position 6898, A replaced by G.
Protein change: p.Lys2300Glu; replaces lysine 2300 with glutamic acid.
Molecular consequence: missense variant.
Genome position (GRCh38, 1-based): chr17:31,338,782, A>G. VCF-style: chr17-31338782-A-G. GRCh37 (hg19) VCF-style: chr17-29665800-A-G.
Other names: c.6835A>G, p.Lys2279Glu (NM_000267.4); short protein forms K2279E, K2300E.
Identifiers: ClinVar variation 2505950 (VCV002505950.1), dbSNP rs2508763064, ClinGen allele CA399014407.

ClinVar aggregate classification (germline): Uncertain significance (1 of 4 stars; one submission).

Submission:

GeneDx
Classification: Uncertain significance. Last evaluated: 2022-12-13. Review status: criteria provided, single submitter. Criteria: GeneDx Variant Classification Process June 2021. Collection method: clinical testing. Allele origin: germline. Affected: yes.
Comment: In silico analysis supports that this missense variant does not alter protein structure/function; Not observed at significant frequency in large population cohorts (gnomAD); Has not been previously published as pathogenic or benign to our knowledge; This variant is associated with the following publications: (PMID: 25486365)